The following is an entry in ClinVar:

ClinVar aggregate classification (germline): Conflicting classifications of pathogenicity. Review status: criteria provided, conflicting classifications (1 of 4 stars). 3 submissions from 3 submitters: Likely pathogenic (1); Uncertain significance (2). Last evaluated 2026-03-03.

Conditions:
UGT1A1-related disorder. Also called: UGT1A1-related disorders; UGT1A1-related condition.

gnomAD v4.1: 37 of 1,614,120 alleles (0.0023%); highest among the groups gnomAD compares: African/African-American, 0.008%; no homozygotes.

Submissions (3):

PreventionGenetics, part of Exact Sciences
Classification: Uncertain significance for UGT1A1-related condition. Last evaluated: 2026-03-03. Review status: criteria provided, single submitter. Criteria: ACMG Guidelines, 2015. Collection method: clinical testing. Allele origin: germline.
Comment: The UGT1A1 c.1463C>T variant is predicted to result in the amino acid substitution p.Ser488Phe. To our knowledge, this variant has not been reported in the literature. This variant is reported in 0.019% of alleles in individuals of European (Non-Finnish) descent in gnomAD. At this time, the clinical significance of this variant is uncertain due to the absence of conclusive functional and genetic evidence.

Labcorp Genetics (formerly Invitae), Labcorp
Classification: Likely pathogenic. Last evaluated: 2025-05-28. Review status: criteria provided, single submitter. Criteria: Invitae Variant Classification Sherloc (09022015). Collection method: clinical testing. Allele origin: germline.
Comment: This sequence change replaces serine, which is neutral and polar, with phenylalanine, which is neutral and non-polar, at codon 488 of the UGT1A1 protein (p.Ser488Phe). This variant is present in population databases (rs72551360, gnomAD 0.02%). This missense change has been observed in individual(s) with Crigler-Najjar syndrome (PMID: 1634050). ClinVar contains an entry for this variant (Variation ID: 1500781). Invitae Evidence Modeling of protein sequence and biophysical properties (such as structural, functional, and spatial information, amino acid conservation, physicochemical variation, residue mobility, and thermodynamic stability) has been performed for this missense variant. However, the output from this modeling did not meet the statistical confidence thresholds required to predict the impact of this variant on UGT1A1 protein function. Studies have shown that this missense change alters UGT1A1 gene expression (PMID: 1634050). In summary, the currently available evidence indicates that the variant is pathogenic, but additional data are needed to prove that conclusively. Therefore, this variant has been classified as Likely Pathogenic.

Women's Health and Genetics/Laboratory Corporation of America, LabCorp
Classification: Uncertain significance. Last evaluated: 2023-07-31. Review status: criteria provided, single submitter. Criteria: LabCorp Variant Classification Summary - May 2015. Collection method: clinical testing. Allele origin: germline.
Comment: Variant summary: UGT1A1 c.1463C>T (p.Ser488Phe) results in a non-conservative amino acid change in the encoded protein sequence. Four of five in-silico tools predict a damaging effect of the variant on protein function. The variant was absent in 251086 control chromosomes. The available data on variant occurrences in the general population are insufficient to allow any conclusion about variant significance. To our knowledge, no occurrence of c.1463C>T in individuals affected with Crigler-Najjar syndrome and no experimental evidence demonstrating its impact on protein function have been reported. Although multiple reports initally cited occurrence(s) of the variant in an individual affected with Crigler-Najjar syndrome (e.g. Bosma_1992, Canu_2013), this variant was later found to be the p.Ser375Phe variant, not p.Ser488Phe (HGMD:CM920702). The following publications referencing the p.Ser375Phe variant only, not p.Ser488Phe, have been ascertained in the context of this evaluation (PMID: 23403257, 1634050). One submitter has cited clinical-significance assessments for this variant to ClinVar after 2014 and has classified the variant as likely pathogenic, citing evidence from Bosma_1992, not applicable to this variant. Based on the evidence outlined above, the variant was classified as uncertain significance.

Literature cited by the submitters: PubMed 1634050 (cited by Labcorp Genetics (formerly Invitae), Labcorp and Women's Health and Genetics/Laboratory Corporation of America, LabCorp); PubMed 23403257 (cited by Women's Health and Genetics/Laboratory Corporation of America, LabCorp).

NM_000463.3(UGT1A1):c.1463C>T (p.Ser488Phe)

Genes: UGT1A4 (UDP glucuronosyltransferase family 1 member A4; plus strand), UGT1A5 (UDP glucuronosyltransferase family 1 member A5; plus strand), UGT1A6 (UDP glucuronosyltransferase family 1 member A6; plus strand), UGT1A7 (UDP glucuronosyltransferase family 1 member A7; plus strand), UGT1A8 (UDP glucuronosyltransferase family 1 member A8; plus strand) and 5 more. Cytogenetic location: 2q37.1.
Variant type: single nucleotide variant.
Coding change: c.1463C>T on transcript NM_000463.3 (MANE Select); coding-DNA position 1463, C replaced by T.
Protein change: p.Ser488Phe; replaces serine 488 with phenylalanine.
Molecular consequence: missense variant.
Genome position (GRCh38, 1-based): chr2:233,772,420, C>T. VCF-style: chr2-233772420-C-T. GRCh37 (hg19) VCF-style: chr2-234681066-C-T.
Other names: c.1454C>T, p.Ser485Phe (NM_019075.4, NM_019076.5, NM_019077.3 and 1 more transcripts); c.1460C>T, p.Ser487Phe (NM_001072.4); c.659C>T, p.Ser220Phe (NM_205862.3); c.1466C>T, p.Ser489Phe (NM_019078.2, NM_007120.3, NM_019093.4); short protein forms S220F, S485F, S487F, S488F, S489F.
Identifiers: ClinVar variation 1500781 (VCV001500781.10), dbSNP rs72551360, ClinGen allele CA67599803.